The following is an entry in ClinVar:

NM_001267550.2(TTN):c.37303G>T (p.Glu12435Ter)

Gene: TTN (titin; minus strand). Cytogenetic location: 2q31.2.
Variant type: single nucleotide variant.
Coding change: c.37303G>T on transcript NM_001267550.2 (MANE Select); coding-DNA position 37303, G replaced by T.
Protein change: p.Glu12435Ter; replaces glutamic acid 12435 with a stop codon.
Molecular consequence: nonsense. On other transcripts: intron variant (3).
Genome position (GRCh38, 1-based): chr2:178,659,238, C>A on the plus strand (G>T on the coding strand, the complement: TTN is on the minus strand). VCF-style: chr2-178659238-C-A. GRCh37 (hg19) VCF-style: chr2-179523965-C-A.
Other names: c.34372G>T, p.Glu11458Ter (NM_001256850.1); c.31591G>T, p.Glu10531Ter (NM_133378.4); c.13283-16921G>T (NM_003319.4); c.13859-16921G>T (NM_133437.4); c.13658-16921G>T (NM_133432.3); short protein forms E12435*, E11458*, E10531*.
Identifiers: ClinVar variation 5006154 (VCV005006154.2).
Genomic context (GRCh38, chr2:178,659,238, plus strand): 5'-TGGGTGGCACTTCAGGCTTTTTAGGAGGAGGCACTGGCACTTTCTTTTCAGGAACAACTT[C>A]TTTGGGAGCCTCAGGCACTTGAAAGATATTAGTGAAATTACATTTAGGCATTATGAAGAC-3'

ClinVar aggregate classification (germline): Likely pathogenic (1 of 4 stars; one submission).

Conditions:
Hypertrophic cardiomyopathy 9. Also called: Familial hypertrophic cardiomyopathy 9. Identifiers: MedGen C1861065, MONDO:0013412, OMIM 613765.
Myopathy, myofibrillar, 9, with early respiratory failure (MFM9). Also called: Hereditary myopathy with early respiratory failure; EDSTROM MYOPATHY; MYOPATHY, PROXIMAL, WITH EARLY RESPIRATORY MUSCLE INVOLVEMENT; Myopathy, distal, with early respiratory failure, autosomal dominant. Identifiers: Orphanet 178464, Orphanet 34521, MedGen C1863599, MONDO:0011362, OMIM 603689.
Early-onset myopathy with fatal cardiomyopathy (CMYO5). Also called: CONGENITAL MYOPATHY 5 WITH CARDIOMYOPATHY; Salih Myopathy. Identifiers: Orphanet 289377, MedGen C2673677, MONDO:0012714, OMIM 611705. Disease mechanism: loss of function.
Autosomal recessive limb-girdle muscular dystrophy type 2J (LGMDR10). Also called: Limb-girdle muscular dystrophy, type 2J; MUSCULAR DYSTROPHY, LIMB-GIRDLE, AUTOSOMAL RECESSIVE 10. Identifiers: Orphanet 140922, MedGen C1837342, MONDO:0012127, OMIM 608807.
Dilated cardiomyopathy 1G (CMD1G). Identifiers: Orphanet 154, MedGen C1858763, MONDO:0011400, OMIM 604145.
Tibial muscular dystrophy (TMD). Also called: UDD MYOPATHY; Udd Distal Myopathy – Tibial Muscular Dystrophy; Tibial muscular dystrophy, tardive. Identifiers: Orphanet 609, MedGen C1838244, MONDO:0010870, OMIM 600334.

Submission:

Juno Genomics, Hangzhou Juno Genomics, Inc
Classification: Likely pathogenic for Early-onset myopathy with fatal cardiomyopathy; Dilated cardiomyopathy 1G; Hypertrophic cardiomyopathy 9; Autosomal recessive limb-girdle muscular dystrophy type 2J; Myopathy, myofibrillar, 9, with early respiratory failure; Tibial muscular dystrophy. Review status: criteria provided, single submitter. Criteria: ACMG Guidelines, 2015. Collection method: clinical testing. Allele origin: germline.
Comment: Null variant in a gene where loss of function (LOF) is a known mechanism of disease.;Absent from controls (or at extremely low frequency if recessive) in Genome Aggregation Database.